The following is an entry in ClinVar:

ClinVar aggregate classification (germline): Uncertain significance. Review status: criteria provided, multiple submitters, no conflicts (2 of 4 stars). 2 submissions from 2 submitters: Uncertain significance (2). Last evaluated 2023-11-22.

Allele frequency attached by ClinVar (database versions not stated): TOPMed below 0.00001.
gnomAD v4.1: 3 of 1,593,036 alleles (0.00019%); highest among the groups gnomAD compares: Non-Finnish European, 0.00017%; no homozygotes.

Submissions (2):

ARUP Laboratories, Molecular Genetics and Genomics, ARUP Laboratories
Classification: Uncertain significance. Last evaluated: 2023-11-22. Review status: criteria provided, single submitter. Criteria: ARUP Molecular Germline Variant Investigation Process 2024. Collection method: clinical testing. Allele origin: germline.
Comment: The MEFV c.590G>A; p.Gly197Asp variant (rs906108610), to our knowledge, is not reported in the medical literature or gene specific databases. This variant is only observed on one allele in the Genome Aggregation Database (v2.1.1), indicating it is not a common polymorphism. Computational analyses are uncertain whether this variant is neutral or deleterious (REVEL: 0.213). Due to limited information, the clinical significance of this variant is uncertain at this time.

Blueprint Genetics
Classification: Uncertain significance. Last evaluated: 2021-11-02. Review status: criteria provided, single submitter. Criteria: ACMG Guidelines, 2015. Collection method: clinical testing. Allele origin: germline.

NM_000243.3(MEFV):c.590G>A (p.Gly197Asp)

Gene: MEFV (MEFV innate immunity regulator, pyrin; minus strand). Cytogenetic location: 16p13.3.
Variant type: single nucleotide variant.
Coding change: c.590G>A on transcript NM_000243.3 (MANE Select); coding-DNA position 590, G replaced by A.
Protein change: p.Gly197Asp; replaces glycine 197 with aspartic acid.
Molecular consequence: missense variant. On other transcripts: intron variant (1).
Genome position (GRCh38, 1-based): chr16:3,254,478, C>T on the plus strand (G>A on the coding strand, the complement: MEFV is on the minus strand). VCF-style: chr16-3254478-C-T. GRCh37 (hg19) VCF-style: chr16-3304478-C-T.
Other names: c.277+1833G>A (NM_001198536.2); short protein forms G197D.
Identifiers: ClinVar variation 2921175 (VCV002921175.2), dbSNP rs906108610, ClinGen allele CA276902568.